The following is an entry in ClinVar:

ClinVar aggregate classification (germline): Pathogenic (1 of 4 stars; one submission).

Conditions:
Hereditary spastic paraplegia 11. Also called: Spastic paraplegia, mental retardation and thin corpus callosum; SPASTIC PARAPLEGIA, AUTOSOMAL RECESSIVE, COMPLICATED, WITH THIN CORPUS CALLOSUM; SPASTIC PARAPLEGIA, AUTOSOMAL RECESSIVE, WITH MENTAL IMPAIRMENT AND THIN CORPUS CALLOSUM; Spastic Paraplegia 11; Nakamura Osame syndrome; Autosomal recessive hereditary spastic paraplegia, mental impairment, and thin corpus callosum. Identifiers: Orphanet 2822, MedGen C1858479, MONDO:0011445, OMIM 604360.

Submission:

Labcorp Genetics (formerly Invitae), Labcorp
Classification: Pathogenic for Hereditary spastic paraplegia 11. Last evaluated: 2023-01-05. Review status: criteria provided, single submitter. Criteria: Invitae Variant Classification Sherloc (09022015). Collection method: clinical testing. Allele origin: unknown.
Comment: For these reasons, this variant has been classified as Pathogenic. This variant disrupts a region of the SPG11 protein in which other variant(s) (p.Val2053Met) have been determined to be pathogenic (PMID: 19196735, 20110243). This suggests that this is a clinically significant region of the protein, and that variants that disrupt it are likely to be disease-causing. This variant has not been reported in the literature in individuals affected with SPG11-related conditions. This variant is a gross deletion of the genomic region encompassing exon(s) 31-36 of the SPG11 gene. This variant would be expected to be in-frame, preserving the integrity of the reading frame.

Literature cited by the submitters: PubMed 19196735; PubMed 20110243.

NC_000015.9:g.(?_44859602)_(44867259_?)del

Gene: SPG11 (SPG11 vesicle trafficking associated, spatacsin; minus strand). Cytogenetic location: 15q21.1.
Variant type: Deletion.
Identifiers: ClinVar variation 3243791 (VCV003243791.1).